The following is an entry in ClinVar:

ClinVar aggregate classification (germline): Uncertain significance. Review status: criteria provided, multiple submitters, no conflicts (2 of 4 stars). 2 submissions from 2 submitters: Uncertain significance (2). Last evaluated 2024-06-22.

Conditions:
Iodotyrosyl coupling defect (TDH3). Also called: THYROID HORMONOGENESIS, GENETIC DEFECT IN, 3; HYPOTHYROIDISM, CONGENITAL, DUE TO DYSHORMONOGENESIS, 3. Identifiers: Orphanet 95716, MedGen C0342194, MONDO:0010135, OMIM 274700.

Submissions (2):

GeneDx
Classification: Uncertain significance. Last evaluated: 2024-06-22. Review status: criteria provided, single submitter. Criteria: GeneDx Variant Classification Process June 2021. Collection method: clinical testing. Allele origin: germline. Affected: yes.
Comment: In silico analysis supports that this variant does not alter protein structure/function; In silico analysis suggests this variant may impact gene splicing. In the absence of RNA/functional studies, the actual effect of this sequence change is unknown.; Has not been previously published as pathogenic or benign to our knowledge

Revvity Omics, Revvity
Classification: Uncertain significance for Iodotyrosyl coupling defect. Last evaluated: 2022-10-08. Review status: criteria provided, single submitter. Criteria: ACMG Guidelines, 2015. Collection method: clinical testing. Allele origin: germline.

NM_003235.5(TG):c.7501_7502inv (p.Trp2501Gln)

Genes: SLA (Src like adaptor; minus strand), TG (thyroglobulin; plus strand). Cytogenetic location: 8q24.22.
Variant type: Inversion.
Coding change: c.7501_7502inv on transcript NM_003235.5 (MANE Select).
Protein change: p.Trp2501Gln; replaces tryptophan 2501 with glutamine.
Molecular consequence: missense variant. On other transcripts: intron variant (4).
Genome position: GRCh38 VCF-style: chr8-133096302-TG-CA. GRCh37 (hg19) VCF-style: chr8-134108546-TG-CA.
Other names: c.7501_7502delinsCA (NM_003235.5); c.-264+6250_-264+6251inv (NM_001282965.2); c.11+6250_11+6251inv (NM_001282964.2, NM_001045557.3); c.-319+6250_-319+6251inv (NM_001045556.3); short protein forms W2501Q.
Identifiers: ClinVar variation 1318900 (VCV001318900.5), ClinGen allele CA2573052973.
Genomic context (GRCh38, chr8:133,096,302, plus strand): 5'-CCTGTGATCGATGGCCACTTCCTCCGTGAGCCTCCAGCCAGAGCACTGAAGAGGTCTTTA[TG>CA]GGTAGAGGTCGATCTGCTCATTGGGAGTTCTCAGGACGACGGGCTCATCAACAGAGCAAA-3'
Protein context (NP_003226.4, residues 2491-2511): PPARALKRSL[Trp2501Gln]VEVDLLIGSS